The following is an entry in ClinVar:

ClinVar aggregate classification (germline): Uncertain significance. Review status: criteria provided, multiple submitters, no conflicts (2 of 4 stars). 2 submissions from 2 submitters: Uncertain significance (2). Last evaluated 2023-03-24.

Conditions:
Hereditary breast ovarian cancer syndrome. Also called: Breast and ovarian cancer; BRCA1- and BRCA2-Associated Hereditary Breast and Ovarian Cancer; Hereditary breast and ovarian cancer; Hereditary breast and ovarian cancer syndrome (HBOC); Hereditary breast and ovarian cancer syndrome; Hereditary breast and/or ovarian cancer syndrome. Identifiers: Orphanet 145, MedGen C0677776, MeSH D061325, MONDO:0003582. Disease mechanism: loss of function.
Hereditary cancer-predisposing syndrome. Also called: Neoplastic Syndromes, Hereditary; Tumor predisposition; Hereditary Cancer Syndrome; Hereditary neoplastic syndrome. Identifiers: Orphanet 140162, MedGen C0027672, MeSH D009386, MONDO:0015356.

Submissions (2):

Ambry Genetics
Classification: Uncertain significance for Hereditary cancer-predisposing syndrome. Last evaluated: 2023-03-24. Review status: criteria provided, single submitter. Criteria: Ambry Variant Classification Scheme 2023. Collection method: clinical testing. Allele origin: germline.
Comment: The p.T167R variant (also known as c.500C>G), located in coding exon 5 of the BRCA2 gene, results from a C to G substitution at nucleotide position 500. The threonine at codon 167 is replaced by arginine, an amino acid with similar properties. This amino acid position is highly conserved in available vertebrate species. In addition, the in silico prediction for this alteration is inconclusive. Since supporting evidence is limited at this time, the clinical significance of this alteration remains unclear.

Labcorp Genetics (formerly Invitae), Labcorp
Classification: Uncertain significance for Hereditary breast ovarian cancer syndrome. Last evaluated: 2021-12-01. Review status: criteria provided, single submitter. Criteria: Invitae Variant Classification Sherloc (09022015). Collection method: clinical testing. Allele origin: germline.
Comment: This sequence change replaces threonine, which is neutral and polar, with arginine, which is basic and polar, at codon 167 of the BRCA2 protein (p.Thr167Arg). This variant is not present in population databases (gnomAD no frequency). This variant has not been reported in the literature in individuals affected with BRCA2-related conditions. Advanced modeling of protein sequence and biophysical properties (such as structural, functional, and spatial information, amino acid conservation, physicochemical variation, residue mobility, and thermodynamic stability) performed at Invitae indicates that this missense variant is not expected to disrupt BRCA2 protein function. RNA analysis indicates that this missense change does not impact mRNA splicing (Invitae). In summary, the available evidence is currently insufficient to determine the role of this variant in disease. Therefore, it has been classified as a Variant of Uncertain Significance.

NM_000059.4(BRCA2):c.500C>G (p.Thr167Arg)

Gene: BRCA2 (BRCA2 DNA repair associated; plus strand). Cytogenetic location: 13q13.1.
Variant type: single nucleotide variant.
Coding change: c.500C>G on transcript NM_000059.4 (MANE Select); coding-DNA position 500, C replaced by G.
Protein change: p.Thr167Arg; replaces threonine 167 with arginine.
Molecular consequence: missense variant.
Genome position (GRCh38, 1-based): chr13:32,326,266, C>G. VCF-style: chr13-32326266-C-G. GRCh37 (hg19) VCF-style: chr13-32900403-C-G.
Other names: c.500C>G, p.Thr167Arg (NM_001406719.1, NM_001406720.1, NM_001406721.1); c.131C>G, p.Thr44Arg (NM_001406722.1); short protein forms T44R, T167R.
Identifiers: ClinVar variation 2022695 (VCV002022695.6), dbSNP rs2072346519, ClinGen allele CA387757697.